The following is an entry in ClinVar:

ClinVar aggregate classification (germline): Likely benign (1 of 4 stars; one submission).

Allele frequency attached by ClinVar (database versions not stated): gnomAD exomes below 0.00001.
gnomAD v4.1: 2 of 1,204,056 alleles (0.00017%); highest among the groups gnomAD compares: Non-Finnish European, 0.00023%; no homozygotes.

Submission:

GeneDx
Classification: Likely benign. Last evaluated: 2017-12-07. Review status: criteria provided, single submitter. Criteria: GeneDx Variant Classification (06012015). Collection method: clinical testing. Allele origin: germline. Affected: yes.
Comment: This variant is considered likely benign or benign based on one or more of the following criteria: it is a conservative change, it occurs at a poorly conserved position in the protein, it is predicted to be benign by multiple in silico algorithms, and/or has population frequency not consistent with disease.

NM_004006.3(DMD):c.1546G>A (p.Val516Ile)

Gene: DMD (dystrophin; minus strand). Cytogenetic location: Xp21.1.
Variant type: single nucleotide variant.
Coding change: c.1546G>A on transcript NM_004006.3 (MANE Select); coding-DNA position 1546, G replaced by A.
Protein change: p.Val516Ile; replaces valine 516 with isoleucine.
Molecular consequence: missense variant.
Genome position (GRCh38, 1-based): chrX:32,595,813, C>T on the plus strand (G>A on the coding strand, the complement: DMD is on the minus strand). VCF-style: chrX-32595813-C-T. GRCh37 (hg19) VCF-style: chrX-32613930-C-T.
Other names: c.1522G>A, p.Val508Ile (NM_000109.4); c.1534G>A, p.Val512Ile (NM_004009.3); c.1177G>A, p.Val393Ile (NM_004010.3); short protein forms V516I, V393I, V512I, V508I.
Identifiers: ClinVar variation 513536 (VCV000513536.1), dbSNP rs1556834806, ClinGen allele CA412665468.